The following is an entry in ClinVar:

NM_004595.5(SMS):c.-14G>T

Genes: SMS (spermine synthase; plus strand), LOC130068040 (ATAC-STARR-seq lymphoblastoid silent region 20700; plus strand). Cytogenetic location: Xp22.11.
Variant type: single nucleotide variant.
Coding change: c.-14G>T on transcript NM_004595.5 (MANE Select); 14 bases upstream of the start codon, G replaced by T.
Molecular consequence: 5 prime UTR variant.
Genome position (GRCh38, 1-based): chrX:21,940,811, G>T. VCF-style: chrX-21940811-G-T. GRCh37 (hg19) VCF-style: chrX-21958929-G-T.
Other names: c.-14G>T (NM_001258423.2).
Identifiers: ClinVar variation 4887325 (VCV004887325.1).

ClinVar aggregate classification (germline): Uncertain significance (1 of 4 stars; one submission).

gnomAD v4.1: 28 of 1,115,370 alleles (0.0025%); highest among the groups gnomAD compares: African/African-American, 0.044%; no homozygotes.

Submission:

Women's Health and Genetics/Laboratory Corporation of America, LabCorp
Classification: Uncertain significance. Last evaluated: 2026-06-11. Review status: criteria provided, single submitter. Criteria: LabCorp Variant Classification Summary - May 2015. Collection method: clinical testing. Allele origin: germline.
Comment: Variant summary: SMS c.-14G>T is located in the untranslated mRNA region upstream of the initiation codon. The variant allele was found at a frequency of 1.3e-05 in 75756 control chromosomes. The available data on variant occurrences in the general population are insufficient to allow any conclusion about variant significance. To our knowledge, no occurrence of c.-14G>T in individuals affected with SMS-related conditions and no experimental evidence demonstrating its impact on protein function have been reported. No submitters have cited clinical-significance assessments for this variant to ClinVar. Based on the evidence outlined above, the variant was classified as uncertain significance.